The following is an entry in ClinVar:

NM_000264.5(PTCH1):c.521C>G (p.Ala174Gly)

Gene: PTCH1 (patched 1; minus strand). Cytogenetic location: 9q22.32.
Variant type: single nucleotide variant.
Coding change: c.521C>G on transcript NM_000264.5 (MANE Select); coding-DNA position 521, C replaced by G.
Protein change: p.Ala174Gly; replaces alanine 174 with glycine.
Molecular consequence: missense variant. On other transcripts: non-coding transcript variant (1).
Genome position (GRCh38, 1-based): chr9:95,485,748, G>C on the plus strand (C>G on the coding strand, the complement: PTCH1 is on the minus strand). VCF-style: chr9-95485748-G-C. GRCh37 (hg19) VCF-style: chr9-98248030-G-C.
Other names: c.323C>G, p.Ala108Gly (NM_001083602.3, NM_001354919.2); c.518C>G, p.Ala173Gly (NM_001083603.3); c.68C>G, p.Ala23Gly (NM_001083604.3, NM_001083605.3, NM_001083606.3 and 1 more transcripts); c.521C>G, p.Ala174Gly (NM_001354918.2); short protein forms A173G, A23G, A108G, A174G.
Identifiers: ClinVar variation 1520200 (VCV001520200.8), dbSNP rs772368023, ClinGen allele CA374116830.
Genomic context (GRCh38, chr9:95,485,748, plus strand): 5'-TTGTACATGTATACATGGACACGGCTGGCCTGGAGTGCCGAGTCCAGGTGTTGTAGGAGC[G>C]CTTCTGTGGTCAGGACATTAGCACCTTCTTCTTTAGGGGTCTGTATCATGAGTTGAGGAT-3'
Protein context (NP_000255.2, residues 164-184): EEGANVLTTE[Ala174Gly]LLQHLDSALQ

ClinVar aggregate classification (germline): Uncertain significance (1 of 4 stars; one submission).

Conditions:
Gorlin syndrome. Also called: Basal cell nevus syndrome; Nevoid Basal Cell Carcinoma Syndrome. Identifiers: Orphanet 377, MedGen C0004779, MONDO:0007187.

gnomAD v4.1: 1 of 1,614,172 alleles (0.000062%); highest among the groups gnomAD compares: South Asian, 0.0011%; no homozygotes.

Submission:

Labcorp Genetics (formerly Invitae), Labcorp
Classification: Uncertain significance for Gorlin syndrome. Last evaluated: 2021-03-26. Review status: criteria provided, single submitter. Criteria: Invitae Variant Classification Sherloc (09022015). Collection method: clinical testing. Allele origin: germline.
Comment: In summary, the available evidence is currently insufficient to determine the role of this variant in disease. Therefore, it has been classified as a Variant of Uncertain Significance. Advanced modeling of protein sequence and biophysical properties (such as structural, functional, and spatial information, amino acid conservation, physicochemical variation, residue mobility, and thermodynamic stability) performed at Invitae indicates that this missense variant is not expected to disrupt PTCH1 protein function. This variant has not been reported in the literature in individuals with PTCH1-related conditions. This variant is not present in population databases (ExAC no frequency). This sequence change replaces alanine with glycine at codon 174 of the PTCH1 protein (p.Ala174Gly). The alanine residue is highly conserved and there is a small physicochemical difference between alanine and glycine.